The following is an entry in ClinVar:

ClinVar aggregate classification (germline): Uncertain significance (1 of 4 stars; one submission).

Conditions:
Hyperkalemic periodic paralysis. Also called: Familial hyperkalemic periodic paralysis; Gamstorp disease. Identifiers: Orphanet 682, MedGen C0238357, MONDO:0008224, OMIM 170500, HP:0007215.

Allele frequency attached by ClinVar (database versions not stated): gnomAD exomes below 0.00001; ExAC 0.00001; gnomAD 0.00001.
gnomAD v4.1: 1 of 1,613,992 alleles (0.000062%); highest among the groups gnomAD compares: Non-Finnish European, 0.000085%; no homozygotes.

Submission:

Labcorp Genetics (formerly Invitae), Labcorp
Classification: Uncertain significance for Hyperkalemic periodic paralysis. Last evaluated: 2022-07-19. Review status: criteria provided, single submitter. Criteria: Invitae Variant Classification Sherloc (09022015). Collection method: clinical testing. Allele origin: germline.
Comment: This variant has not been reported in the literature in individuals affected with SCN4A-related conditions. In summary, the available evidence is currently insufficient to determine the role of this variant in disease. Therefore, it has been classified as a Variant of Uncertain Significance. Algorithms developed to predict the effect of missense changes on protein structure and function (SIFT, PolyPhen-2, Align-GVGD) all suggest that this variant is likely to be tolerated. ClinVar contains an entry for this variant (Variation ID: 841234). This variant is present in population databases (rs768071512, gnomAD 0.0009%). This sequence change replaces aspartic acid, which is acidic and polar, with asparagine, which is neutral and polar, at codon 1567 of the SCN4A protein (p.Asp1567Asn).

NM_000334.4(SCN4A):c.4699G>A (p.Asp1567Asn)

Genes: GH-LCR (growth hormone locus control region; plus strand), SCN4A (sodium voltage-gated channel alpha subunit 4; minus strand). Cytogenetic location: 17q23.3.
Variant type: single nucleotide variant.
Coding change: c.4699G>A on transcript NM_000334.4 (MANE Select); coding-DNA position 4699, G replaced by A.
Protein change: p.Asp1567Asn; replaces aspartic acid 1567 with asparagine.
Molecular consequence: missense variant.
Genome position (GRCh38, 1-based): chr17:63,941,583, C>T on the plus strand (G>A on the coding strand, the complement: SCN4A is on the minus strand). VCF-style: chr17-63941583-C-T. GRCh37 (hg19) VCF-style: chr17-62018943-C-T.
Other names: short protein forms D1567N.
Identifiers: ClinVar variation 841234 (VCV000841234.10), dbSNP rs768071512, ClinGen allele CA8708915.